The following is an entry in ClinVar:

ClinVar aggregate classification (germline): Uncertain significance. Review status: criteria provided, multiple submitters, no conflicts (2 of 4 stars). 3 submissions from 3 submitters: Uncertain significance (3). Last evaluated 2025-12-28.

Conditions:
Geleophysic dysplasia 2 (GPHYSD2). Identifiers: Orphanet 2623, MedGen C3280054, MONDO:0013612, OMIM 614185.
Progeroid and marfanoid aspect-lipodystrophy syndrome. Also called: MARFANOID-PROGEROID-LIPODYSTROPHY SYNDROME; MARFANOID-PROGEROID SYNDROME; MARFAN-PROGEROID-LIPODYSTROPHY SYNDROME; Marfan lipodystrophy syndrome. Identifiers: Orphanet 300382, MedGen C4310796, MONDO:0014831, OMIM 616914.
Marfan syndrome (MFS). Also called: MARFAN SYNDROME, TYPE I; Marfan syndrome type 1; Marfan's syndrome; Marfan syndrome, classic; FBN1-Related Marfan Syndrome. Identifiers: Orphanet 284963, Orphanet 558, MedGen C0024796, MONDO:0007947, OMIM 154700.
Ectopia lentis 1, isolated, autosomal dominant (ECTOL1). Identifiers: Orphanet 1885, MedGen C3541518, MONDO:0007514, OMIM 129600.
Stiff skin syndrome (SSKS). Identifiers: Orphanet 2833, MedGen C1861456, MONDO:0008492, OMIM 184900.
MASS syndrome (OCTD). Also called: MASS PHENOTYPE; OVERLAP CONNECTIVE TISSUE DISEASE. Identifiers: MedGen C1858556, MONDO:0011431, OMIM 604308.
Acromicric dysplasia (ACMICD). Also called: Acromicric skeletal dysplasia. Identifiers: Orphanet 969, MedGen C0265287, MONDO:0007055, OMIM 102370.
Weill-Marchesani syndrome 2, dominant. Also called: Weill-Marchesani Syndrome, Autosomal Dominant; FBN1-Related Weill-Marchesani Syndrome. Identifiers: Orphanet 2084, MedGen C1869115, MONDO:0012013, OMIM 608328.
Familial thoracic aortic aneurysm and aortic dissection (TAAD). Also called: Thoracic aortic aneurysms and dissections. Identifiers: Orphanet 91387, MedGen C4707243, MONDO:0019625.

Allele frequency attached by ClinVar (database versions not stated): gnomAD exomes below 0.00001; ExAC 0.00001.
gnomAD v4.1: 3 of 1,614,068 alleles (0.00019%); highest among the groups gnomAD compares: Admixed American, 0.0017%; no homozygotes.

Submissions (3):

Labcorp Genetics (formerly Invitae), Labcorp
Classification: Uncertain significance for Marfan syndrome; Familial thoracic aortic aneurysm and aortic dissection. Last evaluated: 2025-12-28. Review status: criteria provided, single submitter. Criteria: Invitae Variant Classification Sherloc (09022015). Collection method: clinical testing. Allele origin: germline.
Comment: This sequence change replaces threonine, which is neutral and polar, with methionine, which is neutral and non-polar, at codon 1496 of the FBN1 protein (p.Thr1496Met). This variant is not present in population databases (gnomAD no frequency). This variant has not been reported in the literature in individuals affected with FBN1-related conditions. ClinVar contains an entry for this variant (Variation ID: 1416068). Invitae Evidence Modeling of protein sequence and biophysical properties (such as structural, functional, and spatial information, amino acid conservation, physicochemical variation, residue mobility, and thermodynamic stability) indicates that this missense variant is not expected to disrupt FBN1 protein function with a negative predictive value of 95%. In summary, the available evidence is currently insufficient to determine the role of this variant in disease. Therefore, it has been classified as a Variant of Uncertain Significance.

All of Us Research Program, National Institutes of Health
Classification: Uncertain significance for Marfan syndrome. Last evaluated: 2023-08-15. Review status: criteria provided, single submitter. Criteria: ACMG Guidelines, 2015. Collection method: clinical testing. Allele origin: germline. Inheritance: Autosomal dominant inheritance. Observed: 2 variant alleles, 2 heterozygotes.
Comment: This missense variant replaces threonine with methionine at codon 1496 of the FBN1 protein. Computational prediction suggests that this variant may not impact protein structure and function (internally defined REVEL score threshold <= 0.5, PMID: 27666373). To our knowledge, functional studies have not been reported for this variant. This variant has not been reported in individuals affected with FBN1-related disorders in the literature. This variant has not been identified in the general population by the Genome Aggregation Database (gnomAD). The available evidence is insufficient to determine the role of this variant in disease conclusively. Therefore, this variant is classified as a Variant of Uncertain Significance.

This study involves interpretation of variants in research participants for the purpose of population health screening. Participant phenotype was not available at the time of variant classification. Additional details can be found in publication PMID: 35346344, PMCID: PMC8962531

Fulgent Genetics
Classification: Uncertain significance for Acromicric dysplasia; Ectopia lentis 1, isolated, autosomal dominant; Marfan syndrome; Stiff skin syndrome; MASS syndrome; Weill-Marchesani syndrome 2, dominant; Geleophysic dysplasia 2; Progeroid and marfanoid aspect-lipodystrophy syndrome. Last evaluated: 2021-09-28. Review status: criteria provided, single submitter. Criteria: ACMG Guidelines, 2015. Collection method: clinical testing. Allele origin: unknown.

NM_000138.5(FBN1):c.4487C>T (p.Thr1496Met)

Gene: FBN1 (fibrillin 1; minus strand). Cytogenetic location: 15q21.1.
Variant type: single nucleotide variant.
Coding change: c.4487C>T on transcript NM_000138.5 (MANE Select); coding-DNA position 4487, C replaced by T.
Protein change: p.Thr1496Met; replaces threonine 1496 with methionine.
Molecular consequence: missense variant.
Genome position (GRCh38, 1-based): chr15:48,468,507, G>A on the plus strand (C>T on the coding strand, the complement: FBN1 is on the minus strand). VCF-style: chr15-48468507-G-A. GRCh37 (hg19) VCF-style: chr15-48760704-G-A.
Other names: short protein forms T1496M.
Identifiers: ClinVar variation 1416068 (VCV001416068.8), dbSNP rs776199613, ClinGen allele CA053175.
Genomic context (GRCh38, chr15:48,468,507, plus strand): 5'-TCAGGTGGGCAGTCACAGATATAGCTGCCTGGAGTGTTGACACAGTTCCCACTGATGCAC[G>A]TGGTTGGATCCAGGCATTCATTCACATCTAAAACCGAACAGTGAGTAGTGGAGTTATCAC-3'
Protein context (NP_000129.3, residues 1486-1506): TDVNECLDPT[Thr1496Met]CISGNCVNTP